The following is an entry in ClinVar:

NM_000275.3(OCA2):c.2378G>A (p.Cys793Tyr)

Gene: OCA2 (OCA2 melanosomal transmembrane protein; minus strand). Cytogenetic location: 15q13.1.
Variant type: single nucleotide variant.
Coding change: c.2378G>A on transcript NM_000275.3 (MANE Select); coding-DNA position 2378, G replaced by A.
Protein change: p.Cys793Tyr; replaces cysteine 793 with tyrosine.
Molecular consequence: missense variant.
Genome position (GRCh38, 1-based): chr15:27,845,013, C>T on the plus strand (G>A on the coding strand, the complement: OCA2 is on the minus strand). VCF-style: chr15-27845013-C-T. GRCh37 (hg19) VCF-style: chr15-28090159-C-T.
Other names: c.2378G>A (NM_000275.2); c.2306G>A, p.Cys769Tyr (NM_001300984.2); short protein forms C769Y, C793Y.
Identifiers: ClinVar variation 1403674 (VCV001403674.13), dbSNP rs1026811783, ClinGen allele CA267839522.

ClinVar aggregate classification (germline): Pathogenic/Likely pathogenic. Review status: criteria provided, multiple submitters, no conflicts (2 of 4 stars). 4 submissions from 4 submitters: Pathogenic (1); Likely pathogenic (3). Last evaluated 2026-03-31.

Conditions:
Tyrosinase-positive oculocutaneous albinism (OCA2). Also called: Albinism, oculocutaneous, type II; ALBINISM II; Oculocutaneous albinism type 2. Identifiers: Orphanet 79432, MedGen C0268495, MONDO:0008746, OMIM 203200.

Allele frequency attached by ClinVar (database versions not stated): gnomAD exomes below 0.00001; TOPMed 0.00002; gnomAD 0.00003 and 0.00004.
gnomAD v4.1: 7 of 1,613,932 alleles (0.00043%); highest among the groups gnomAD compares: African/African-American, 0.0093%; no homozygotes.

Submissions (4):

GeneDx
Classification: Likely pathogenic. Last evaluated: 2026-03-31. Review status: criteria provided, single submitter. Criteria: GeneDx Variant Classification Process June 2021. Collection method: clinical testing. Allele origin: germline.
Comment: Not observed at significant frequency in large population cohorts (gnomAD); In silico analysis supports that this missense variant has a deleterious effect on protein structure/function; This variant is associated with the following publications: (PMID: 17960121, 29345414, 27734839, 38720644)

Myriad Genetics, Inc.
Classification: Likely pathogenic for Tyrosinase-positive oculocutaneous albinism. Last evaluated: 2026-01-27. Review status: criteria provided, single submitter. Criteria: Myriad Autosomal Dominant, Autosomal Recessive and X-Linked Classification Criteria (2023). Collection method: clinical testing. Allele origin: unknown.
Comment: NM_000275.2(OCA2):c.2378G>A(C793Y) is a missense variant classified as likely pathogenic in the context of oculocutaneous albinism, OCA2-related. C793Y has been observed in cases with relevant disease (PMID: 38720644, 27734839, 29345414). Relevant functional assessments of this variant are not available in the literature. C793Y has not been observed in referenced population frequency databases. In summary, NM_000275.2(OCA2):c.2378G>A(C793Y) is a missense variant that has been observed more frequently in cases with the relevant disease than in healthy populations. Please note: this variant was assessed in the context of healthy population screening.

Labcorp Genetics (formerly Invitae), Labcorp
Classification: Pathogenic. Last evaluated: 2026-01-11. Review status: criteria provided, single submitter. Criteria: Invitae Variant Classification Sherloc (09022015). Collection method: clinical testing. Allele origin: germline.
Comment: This sequence change replaces cysteine, which is neutral and slightly polar, with tyrosine, which is neutral and polar, at codon 793 of the OCA2 protein (p.Cys793Tyr). This variant is not present in population databases (gnomAD no frequency). This missense change has been observed in individual(s) with ocular albinism (PMID: 27734839, 29345414; internal data). In at least one individual the data is consistent with being in trans (on the opposite chromosome) from a pathogenic variant. ClinVar contains an entry for this variant (Variation ID: 1403674). Invitae Evidence Modeling of protein sequence and biophysical properties (such as structural, functional, and spatial information, amino acid conservation, physicochemical variation, residue mobility, and thermodynamic stability) has been performed for this missense variant. However, the output from this modeling did not meet the statistical confidence thresholds required to predict the impact of this variant on OCA2 protein function. This variant disrupts the p.Cys793 amino acid residue in OCA2. Other variant(s) that disrupt this residue have been determined to be pathogenic (PMID: 17960121). This suggests that this residue is clinically significant, and that variants that disrupt this residue are likely to be disease-causing. For these reasons, this variant has been classified as Pathogenic.

Dasa
Classification: Likely pathogenic for oculocutaneous albinism type 2. Last evaluated: 2025-09-22. Review status: criteria provided, single submitter. Criteria: DASA Assertion Criteria. Collection method: clinical testing. Allele origin: germline.
Comment: NM_000275.3(OCA2):c.2378G>A (p.Cys793Tyr) is a missense variant that results in the substitution of cysteine with tyrosine. This variant has been reported in individuals with OCA2-related disorders (PMID: 27734839). Also, this variant is rare in population databases. Computational evidence supports a deleterious effect. Based on the currently available evidence, this variant is classified as likely pathogenic.

Literature cited by the submitters: PubMed 27734839 (cited by 3 submitters); PubMed 29345414 (cited by 3 submitters); PubMed 38720644 (cited by Myriad Genetics, Inc.); PubMed 17960121 (cited by Labcorp Genetics (formerly Invitae), Labcorp).